The following is an entry in ClinVar:

ClinVar aggregate classification (germline): Uncertain significance (1 of 4 stars; one submission).

Submission:

Labcorp Genetics (formerly Invitae), Labcorp
Classification: Uncertain significance. Last evaluated: 2024-11-13. Review status: criteria provided, single submitter. Criteria: Invitae Variant Classification Sherloc (09022015). Collection method: clinical testing. Allele origin: germline.
Comment: This sequence change replaces tryptophan, which is neutral and slightly polar, with glycine, which is neutral and non-polar, at codon 80 of the CREB3L3 protein (p.Trp80Gly). This variant is present in population databases (rs749292117, gnomAD 0.005%). This missense change has been observed in individual(s) with dyslipidemia (PMID: 36325899). Invitae Evidence Modeling of protein sequence and biophysical properties (such as structural, functional, and spatial information, amino acid conservation, physicochemical variation, residue mobility, and thermodynamic stability) has been performed for this missense variant. However, the output from this modeling did not meet the statistical confidence thresholds required to predict the impact of this variant on CREB3L3 protein function. In summary, the available evidence is currently insufficient to determine the role of this variant in disease. Therefore, it has been classified as a Variant of Uncertain Significance.

Literature cited by the submitters: PubMed 36325899.

NM_032607.3(CREB3L3):c.238T>G (p.Trp80Gly)

Gene: CREB3L3 (cAMP responsive element binding protein 3 like 3; plus strand). Cytogenetic location: 19p13.3.
Variant type: single nucleotide variant.
Coding change: c.238T>G on transcript NM_032607.3 (MANE Select); coding-DNA position 238, T replaced by G.
Protein change: p.Trp80Gly; replaces tryptophan 80 with glycine.
Molecular consequence: missense variant.
Genome position (GRCh38, 1-based): chr19:4,157,076, T>G. VCF-style: chr19-4157076-T-G. GRCh37 (hg19) VCF-style: chr19-4157073-T-G.
Other names: c.235T>G, p.Trp79Gly (NM_001271995.2); c.238T>G, p.Trp80Gly (NM_001271996.2, NM_001271997.2); short protein forms W80G, W79G.
Identifiers: ClinVar variation 3713542 (VCV003713542.2).